The following is an entry in ClinVar:

NM_005087.4(FXR1):c.991-8_991-7del

Gene: FXR1 (FMR1 autosomal homolog 1; plus strand). Cytogenetic location: 3q26.33.
Variant type: Deletion.
Coding change: c.991-8_991-7del on transcript NM_005087.4 (MANE Select); 8 bases into the intron before coding-DNA position 991 through 7 bases into the intron before coding-DNA position 991, 2 bases deleted (TT; older notation c.991-8_991-7delTT).
Molecular consequence: intron variant.
Genome position (GRCh38, 1-based): chr3:180,961,460-180,961,461, TT deleted; deleting any 2 consecutive bases within chr3:180,961,448-180,961,461 gives the same sequence; the c. name uses the placement nearest the transcript's 3' end. VCF-style (leftmost placement, unchanged base first): chr3-180961447-CTT-C. GRCh37 (hg19) VCF-style: chr3-180679235-CTT-C.
Other names: NC_000003.11:g.180679248_180679249del; c.991-8_991-7delTT (NM_005087.3); c.736-8_736-7del (NM_001013439.3, NM_001363882.1); c.991-8_991-7del (NM_001441509.1, NM_001441510.1, NM_001441514.1 and 3 more transcripts); c.844-8_844-7del (NM_001441515.1).
Identifiers: ClinVar variation 4288066 (VCV004288066.2).

ClinVar aggregate classification (germline): Likely benign (1 of 4 stars; one submission).

Conditions:
FXR1-related condition.

Submissions (3):

PreventionGenetics, part of Exact Sciences
Classification: Likely benign for FXR1-related condition. Last evaluated: 2025-11-09. Review status: criteria provided, single submitter. Criteria: ACMG Guidelines, 2015. Collection method: clinical testing. Allele origin: germline.
Comment: This variant is classified as likely benign based on ACMG/AMP sequence variant interpretation guidelines (Richards et al. 2015 PMID: 25741868, with internal and published modifications).

Dr. Peter K. Rogan Lab, Western University
No classification provided (evidence only). Condition: Uterine corpus endometrial carcinoma. Review status: no classification provided. Collection method: in vitro. Allele origin: not applicable. Functional consequence: retained intron. Not counted in ClinVar's aggregate classification.

Dr. Peter K. Rogan Lab, Western University
No classification provided (evidence only). Condition: Malignant tumor of esophagus. Review status: no classification provided. Collection method: in vitro. Allele origin: not applicable. Functional consequence: retained intron. Not counted in ClinVar's aggregate classification.